The following is an entry in ClinVar:

NM_000283.4(PDE6B):c.1281G>A (p.Trp427Ter)

Gene: PDE6B (phosphodiesterase 6B; plus strand). Cytogenetic location: 4p16.3.
Variant type: single nucleotide variant.
Coding change: c.1281G>A on transcript NM_000283.4 (MANE Select); coding-DNA position 1281, G replaced by A.
Protein change: p.Trp427Ter; replaces tryptophan 427 with a stop codon.
Molecular consequence: nonsense.
Genome position (GRCh38, 1-based): chr4:657,374, G>A. VCF-style: chr4-657374-G-A. GRCh37 (hg19) VCF-style: chr4-651163-G-A.
Other names: c.1281G>A, p.Trp427Ter (NM_001145291.2); c.444G>A, p.Trp148Ter (NM_001145292.2, NM_001350154.3, NM_001379246.1 and 1 more transcripts); c.126G>A, p.Trp42Ter (NM_001350155.3); short protein forms W148*, W42*, W427*.
Identifiers: ClinVar variation 1440695 (VCV001440695.6), dbSNP rs774502142, ClinGen allele CA355913778.

ClinVar aggregate classification (germline): Pathogenic (1 of 4 stars; one submission).

Submission:

Labcorp Genetics (formerly Invitae), Labcorp
Classification: Pathogenic. Last evaluated: 2022-04-22. Review status: criteria provided, single submitter. Criteria: Invitae Variant Classification Sherloc (09022015). Collection method: clinical testing. Allele origin: germline.
Comment: For these reasons, this variant has been classified as Pathogenic. This sequence change creates a premature translational stop signal (p.Trp427*) in the PDE6B gene. It is expected to result in an absent or disrupted protein product. Loss-of-function variants in PDE6B are known to be pathogenic (PMID: 8394174, 8595886, 22334370). This variant is not present in population databases (gnomAD no frequency). This premature translational stop signal has been observed in individual(s) with PDE6B-related conditions (PMID: 25097241).

Literature cited by the submitters: PubMed 8394174; PubMed 8595886; PubMed 22334370; PubMed 25097241.